The following is an entry in ClinVar:

ClinVar aggregate classification (germline): Uncertain significance. Review status: criteria provided, multiple submitters, no conflicts (2 of 4 stars). 2 submissions from 2 submitters: Uncertain significance (2). Last evaluated 2026-04-06.

Conditions:
Nemaline myopathy 2 (NEM2). Also called: Nemaline myopathy 2, autosomal recessive. Identifiers: MedGen C1850569, MONDO:0009725, OMIM 256030.

Submissions (2):

Women's Health and Genetics/Laboratory Corporation of America, LabCorp
Classification: Uncertain significance. Last evaluated: 2026-04-06. Review status: criteria provided, single submitter. Criteria: LabCorp Variant Classification Summary - May 2015. Collection method: clinical testing. Allele origin: germline.

Labcorp Genetics (formerly Invitae), Labcorp
Classification: Uncertain significance for Nemaline myopathy 2. Last evaluated: 2022-03-02. Review status: criteria provided, single submitter. Criteria: Invitae Variant Classification Sherloc (09022015). Collection method: clinical testing. Allele origin: germline.
Comment: In summary, the available evidence is currently insufficient to determine the role of this variant in disease. Therefore, it has been classified as a Variant of Uncertain Significance. Variants that disrupt the consensus splice site are a relatively common cause of aberrant splicing (PMID: 17576681, 9536098). Algorithms developed to predict the effect of sequence changes on RNA splicing suggest that this variant may disrupt the consensus splice site. ClinVar contains an entry for this variant (Variation ID: 939533). This variant has not been reported in the literature in individuals affected with NEB-related conditions. This variant is not present in population databases (gnomAD no frequency). This sequence change falls in intron 26 of the NEB gene. It does not directly change the encoded amino acid sequence of the NEB protein. It affects a nucleotide within the consensus splice site.

Literature cited by the submitters: PubMed 17576681 (cited by Labcorp Genetics (formerly Invitae), Labcorp); PubMed 9536098 (cited by Labcorp Genetics (formerly Invitae), Labcorp).

NM_001164508.2(NEB):c.2523+6T>C

Gene: NEB (nebulin; minus strand). Cytogenetic location: 2q23.3.
Variant type: single nucleotide variant.
Coding change: c.2523+6T>C on transcript NM_001164508.2 (MANE Select); 6 bases into the intron after coding-DNA position 2523, T replaced by C.
Molecular consequence: intron variant.
Genome position (GRCh38, 1-based): chr2:151,687,620, A>G on the plus strand (T>C on the coding strand, the complement: NEB is on the minus strand). VCF-style: chr2-151687620-A-G. GRCh37 (hg19) VCF-style: chr2-152544134-A-G.
Other names: c.2523+6T>C (NM_004543.5, NM_001164507.2, NM_001271208.2).
Identifiers: ClinVar variation 939533 (VCV000939533.10), dbSNP rs2099513341, ClinGen allele CA1139657258.